The following is an entry in ClinVar:

ClinVar aggregate classification (germline): Conflicting classifications of pathogenicity. Review status: criteria provided, conflicting classifications (1 of 4 stars). 5 submissions from 5 submitters: Uncertain significance (4); Likely benign (1). Last evaluated 2026-04-01.

Conditions:
TTN-related disorder. Also called: TTN-related condition; TTN-related disease; TTN-related disorders.

gnomAD v4.1: 19 of 1,613,214 alleles (0.0012%); highest among the groups gnomAD compares: Middle Eastern, 0.033%; no homozygotes.

Submissions (5):

CeGaT Center for Human Genetics Tuebingen
Classification: Uncertain significance. Last evaluated: 2026-04-01. Review status: criteria provided, single submitter. Criteria: CeGaT Center For Human Genetics Tuebingen Variant Classification Criteria Version 2. Collection method: clinical testing. Allele origin: germline. Affected: yes. Observed: 1 variant allele.
Comment: TTN: PM2

PreventionGenetics, part of Exact Sciences
Classification: Uncertain significance for TTN-related condition. Last evaluated: 2025-10-15. Review status: criteria provided, single submitter. Criteria: ACMG Guidelines, 2015. Collection method: clinical testing. Allele origin: germline.
Comment: The TTN c.87428G>T variant is predicted to result in the amino acid substitution p.Gly29143Val. To our knowledge, this variant has not been reported in the literature. This variant is reported in 0.0036% of alleles in individuals of European (Non-Finnish) descent in gnomAD. At this time, the clinical significance of this variant is uncertain due to the absence of conclusive functional and genetic evidence.

Molecular Diagnostic Laboratory for Inherited Cardiovascular Disease, Montreal Heart Institute
Classification: Likely benign. Last evaluated: 2025-07-24. Review status: criteria provided, single submitter. Criteria: ACMG Guidelines, 2015. Collection method: clinical testing. Allele origin: germline. Affected: no.
Comment: BP1

Revvity Omics, Revvity
Classification: Uncertain significance. Last evaluated: 2025-05-23. Review status: criteria provided, single submitter. Criteria: ACMG Guidelines, 2015. Collection method: clinical testing. Allele origin: germline.

GeneDx
Classification: Uncertain significance. Last evaluated: 2024-01-08. Review status: criteria provided, single submitter. Criteria: GeneDx Variant Classification Process June 2021. Collection method: clinical testing. Allele origin: germline. Affected: yes.
Comment: Not observed at significant frequency in large population cohorts (gnomAD); Missense variant in a gene in which most reported pathogenic variants are truncating/loss of function; Has not been previously published as pathogenic or benign to our knowledge; Located in the A-band region of TTN in which the majority of loss of function variants have been associated with autosomal dominant titinopathies (PMID: 22335739)

NM_001267550.2(TTN):c.87428G>T (p.Gly29143Val)

Genes: TTN (titin; minus strand), TTN-AS1 (TTN antisense RNA 1; plus strand). Cytogenetic location: 2q31.2.
Variant type: single nucleotide variant.
Coding change: c.87428G>T on transcript NM_001267550.2 (MANE Select); coding-DNA position 87428, G replaced by T.
Protein change: p.Gly29143Val; replaces glycine 29143 with valine.
Molecular consequence: missense variant.
Genome position (GRCh38, 1-based): chr2:178,557,926, C>A on the plus strand (G>T on the coding strand, the complement: TTN is on the minus strand). VCF-style: chr2-178557926-C-A. GRCh37 (hg19) VCF-style: chr2-179422653-C-A.
Other names: c.82505G>T, p.Gly27502Val (NM_001256850.1); c.60233G>T, p.Gly20078Val (NM_003319.4); c.79724G>T, p.Gly26575Val (NM_133378.4); c.60608G>T, p.Gly20203Val (NM_133432.3); c.60809G>T, p.Gly20270Val (NM_133437.4); short protein forms G20078V, G20203V, G20270V, G26575V, G27502V, G29143V.
Identifiers: ClinVar variation 3338702 (VCV003338702.6), dbSNP rs368010212.